The following is an entry in ClinVar:

NM_006767.4(LZTR1):c.1397G>A (p.Arg466Gln)

Gene: LZTR1 (leucine zipper like post translational regulator 1; plus strand). Cytogenetic location: 22q11.21.
Variant type: single nucleotide variant.
Coding change: c.1397G>A on transcript NM_006767.4 (MANE Select); coding-DNA position 1397, G replaced by A.
Protein change: p.Arg466Gln; replaces arginine 466 with glutamine.
Molecular consequence: missense variant.
Genome position (GRCh38, 1-based): chr22:20,993,967, G>A. VCF-style: chr22-20993967-G-A. GRCh37 (hg19) VCF-style: chr22-21348256-G-A.
Other names: short protein forms R466Q.
Identifiers: ClinVar variation 101038 (VCV000101038.39), dbSNP rs587777180, ClinGen allele CA150704.

ClinVar aggregate classification (germline): Pathogenic/Likely pathogenic. Review status: criteria provided, multiple submitters, no conflicts (2 of 4 stars). 13 submissions from 13 submitters: Pathogenic (2); Likely pathogenic (10). 1 of the submissions does not count toward it. Last evaluated 2026-01-06.

Conditions:
Noonan syndrome and Noonan-related syndrome. Identifiers: Orphanet 98733, MedGen C5681679, MONDO:0020297.
Noonan syndrome 10 (NS10). Identifiers: Orphanet 648, MedGen C4225280, MONDO:0014693, OMIM 616564.
Noonan syndrome 2 (NS2). Identifiers: Orphanet 648, MedGen C1854469, MONDO:0011531, OMIM 605275.
LZTR1-related schwannomatosis. Also called: Schwannomatosis 2; Schwannomatosis-2, susceptibility to. Identifiers: Orphanet 93921, MedGen C3810283, MONDO:0014299, OMIM 615670.
Hereditary cancer-predisposing syndrome. Also called: Tumor predisposition; Hereditary neoplastic syndrome; Neoplastic Syndromes, Hereditary; Hereditary Cancer Syndrome. Identifiers: Orphanet 140162, MedGen C0027672, MeSH D009386, MONDO:0015356.
Cardiovascular phenotype. Identifiers: MedGen CN230736.
LZTR1-related disorder. Also called: LZTR1-related disorders; LZTR1-related condition.
Schwannomatosis. Identifiers: Orphanet 93921, MedGen C1335929, MeSH C536641, MONDO:0008075.

Allele frequency attached by ClinVar (database versions not stated): gnomAD exomes 0.00003; ExAC 0.00004; TOPMed 0.00004; gnomAD 0.00005 and 0.00006.

Submissions (13):

Labcorp Genetics (formerly Invitae), Labcorp
Classification: Pathogenic. Last evaluated: 2026-01-06. Review status: criteria provided, single submitter. Criteria: Invitae Variant Classification Sherloc (09022015). Collection method: clinical testing. Allele origin: germline.
Comment: This sequence change replaces arginine, which is basic and polar, with glutamine, which is neutral and polar, at codon 466 of the LZTR1 protein (p.Arg466Gln). This variant is present in population databases (rs587777180, gnomAD 0.01%). This missense change has been observed in individuals with clinical features of schwannomatosis and Noonan syndrome (PMID: 24362817, 30442762, 31130284, 31219622, 36947458; internal data). ClinVar contains an entry for this variant (Variation ID: 101038). Invitae Evidence Modeling of protein sequence and biophysical properties (such as structural, functional, and spatial information, amino acid conservation, physicochemical variation, residue mobility, and thermodynamic stability) indicates that this missense variant is not expected to disrupt LZTR1 protein function with a negative predictive value of 80%. Experimental studies have shown that this missense change affects LZTR1 function (PMID: 30442762). For these reasons, this variant has been classified as Pathogenic.

First Genomix Gene Laboratory, Genetic Diagnostics Department
Classification: Likely pathogenic for Noonan syndrome 2. Last evaluated: 2025-06-02. Review status: criteria provided, single submitter. Criteria: ACMG Guidelines, 2015. Collection method: clinical testing. Allele origin: germline. Inheritance: Autosomal recessive inheritance. Affected: no. Observed: 1 variant allele.

Ambry Genetics
Classification: Pathogenic for Cardiovascular phenotype; Hereditary cancer-predisposing syndrome. Last evaluated: 2025-05-12. Review status: criteria provided, single submitter. Criteria: Ambry Variant Classification Scheme 2023. Collection method: clinical testing. Allele origin: germline.
Comment: The p.R466Q pathogenic mutation (also known as c.1397G>A), located in coding exon 13 of the LZTR1 gene, results from a G to A substitution at nucleotide position 1397. The arginine at codon 466 is replaced by glutamine, an amino acid with highly similar properties. This variant was reported in individual(s) with features consistent with LZTR1-related schwannomatosis (Piotrowski A et al. Nat Genet, 2014 Feb;46:182-7; Steklov M et al. Science, 2018 Dec;362:1177-1182; Ambry internal data). The variant was also identified in an individual with Noonan syndrome who had another LZTR1 variant in trans (Li X et al. Clin Genet, 2019 Oct;96:290-299). One functional study suggested that this alteration may impair complex formation with CUL3 and cellular localization (Steklov M et al. Science, 2018 12;362:1177-1182). This amino acid position is highly conserved in available vertebrate species. In addition, this alteration is predicted to be deleterious by in silico analysis. Loss-of-function variants in LZTR1 are related to an increased risk for schwannomas and autosomal recessive Noonan syndrome; however, such associations with autosomal dominant Noonan syndrome have not been observed (Piotrowski A et al. Nat Genet. 2014 Feb;46:182-7; Yamamoto GL et al. J Med Genet. 2015 Jun;52:413-21; Johnston JJ et al. Genet Med. 2018 10;20:1175-1185). Based on the supporting evidence, this variant is pathogenic for an increased risk of LZTR1-related schwannomatosis (SWN) and would be expected to cause autosomal recessive Noonan syndrome when present along with a second pathogenic or likely pathogenic variant on the other allele; however, the association of this alteration with autosomal dominant Noonan syndrome is unlikely.

CeGaT Center for Human Genetics Tuebingen
Classification: Likely pathogenic. Last evaluated: 2024-09-01. Review status: criteria provided, single submitter. Criteria: CeGaT Center For Human Genetics Tuebingen Variant Classification Criteria Version 2. Collection method: clinical testing. Allele origin: germline. Affected: yes. Observed: 1 variant allele.
Comment: LZTR1: PM5, PS4:Moderate, PM2:Supporting, PS3:Supporting

Fulgent Genetics
Classification: Likely pathogenic for Noonan syndrome 2; LZTR1-related schwannomatosis; Noonan syndrome 10. Last evaluated: 2024-03-26. Review status: criteria provided, single submitter. Criteria: ACMG Guidelines, 2015. Collection method: clinical testing. Allele origin: germline.

Blueprint Genetics
Classification: Likely pathogenic for LZTR1-related disorders. Last evaluated: 2024-01-29. Review status: criteria provided, single submitter. Criteria: ACMG Guidelines, 2015. Collection method: clinical testing. Allele origin: germline. Affected: yes. Observed: 5 variant alleles.

Baylor Genetics
Classification: Likely pathogenic for LZTR1-related schwannomatosis. Last evaluated: 2023-06-23. Review status: criteria provided, single submitter. Criteria: ACMG Guidelines, 2015. Collection method: clinical testing. Allele origin: unknown.

Revvity Omics, Revvity
Classification: Likely pathogenic. Last evaluated: 2023-02-12. Review status: criteria provided, single submitter. Criteria: ACMG Guidelines, 2015. Collection method: clinical testing. Allele origin: germline.

ARUP Laboratories, Molecular Genetics and Genomics, ARUP Laboratories
Classification: Likely pathogenic. Last evaluated: 2022-12-29. Review status: criteria provided, single submitter. Criteria: ARUP Molecular Germline Variant Investigation Process 2024. Collection method: clinical testing. Allele origin: germline.
Comment: The LZTR1 c.1397G>A; p.Arg466Gln variant (rs587777180) is reported in the literature in multiple heterozygous individuals affected with schwannomatosis (Piotrowski 2014, Steklov 2018), as well as an individual with Noonan syndrome that carried a second missense variant in trans (Li 2019). The p.Arg466Gln variant is found in the general population with an overall allele frequency of 0.003% (8/247,306 alleles) in the Genome Aggregation Database. The arginine at codon 466 is highly conserved, and computational analyses predict that this variant is deleterious (REVEL: 0.918). Consistent with predictions, functional studies suggest the variant protein has altered cellular localization, reduced interaction with the binding partner protein CUL3, and is associated with elevated levels of Ras signaling (Bigenzahn 2018, Steklov 2018). Based on available information, this variant is considered to be likely pathogenic in association with schwannoma susceptibility and autosomal recessive Noonan syndrome. References: Bigenzahn JW et al. LZTR1 is a regulator of RAS ubiquitination and signaling. Science. 2018 Dec 7;362(6419):1171-1177. PMID: 30442766. Li X et al. Molecular and phenotypic spectrum of Noonan syndrome in Chinese patients. Clin Genet. 2019 Oct;96(4):290-299. PMID: 31219622. Piotrowski A et al. Germline loss-of-function mutations in LZTR1 predispose to an inherited disorder of multiple schwannomas. Nat Genet. 2014 Feb;46(2):182-7. PMID: 24362817. Steklov M et al. Mutations in LZTR1 drive human disease by dysregulating RAS ubiquitination. Science. 2018 Dec 7;362(6419):1177-1182. PMID: 30442762.

Genome Diagnostics Laboratory, The Hospital for Sick Children
Classification: Likely pathogenic for Noonan syndrome and Noonan-related syndrome. Last evaluated: 2021-03-31. Review status: criteria provided, single submitter. Criteria: ACMG Guidelines, 2015. Collection method: clinical testing. Allele origin: germline. Affected: yes.

Women's Health and Genetics/Laboratory Corporation of America, LabCorp
Classification: Likely pathogenic for Schwannomatosis. Last evaluated: 2020-09-16. Review status: criteria provided, single submitter. Criteria: LabCorp Variant Classification Summary - May 2015. Collection method: clinical testing. Allele origin: germline.
Comment: Variant summary: LZTR1 c.1397G>A (p.Arg466Gln) results in a conservative amino acid change located in the BTB/POZ domain (IPR000210) of the encoded protein sequence. Four of five in-silico tools predict a damaging effect of the variant on protein function. The variant allele was found at a frequency of 3.2e-05 in 247306 control chromosomes (gnomAD). c.1397G>A has been reported in the literature in at least three individuals affected with Schwannomatosis (Piotrowski_2014, Steklov_2018). These data indicate that the variant may be associated with disease. The variant has also been reported in compound heterozygosity with another missense variant in LZTR1 (c.2455G>C (p.Asp819His)) in a patient affected with Noonan Syndrome, where the patient's mother also carried the variant of interest, but was unaffected (Li_2019). This report does not provide unequivocal conclusions about association of the variant with Noonan Syndrome and Related Conditions (NSRD). Publications also reported experimental evidence, and demonstrated that the variant increased Ras signaling, and resulted in impaired subcellular location (Steklov_2018, Bigenzahn_2018). No clinical diagnostic laboratories have submitted clinical-significance assessments for this variant to ClinVar after 2014. Based on the evidence outlined above, the variant was classified as likely pathogenic for the risk of multiple schwannomas, and as a variant of uncertain clinical significance for the NSRD phenotype.

Neuberg Centre For Genomic Medicine, NCGM
Classification: Likely pathogenic for Noonan syndrome 2. Review status: criteria provided, single submitter. Criteria: ACMG Guidelines, 2015. Collection method: clinical testing. Allele origin: germline. Inheritance: Autosomal recessive inheritance. Affected: yes.
Comment: The observed missense c.1397G>Ap.Arg466Gln variant in LZTR1 gene has been reported previously in homozygous or compound heterozygous state in individuals affected with Noonan syndrome Steklov et al., 2018. This variant is reported with the allele frequency of 0.003% in the gnomAD Exomes. This variant has been reported to the ClinVar database as Uncertain Significance / Likely Pathogenic / Pathogenic. The amino acid Arg at position 466 is changed to a Gln changing protein sequence and it might alter its composition and physico-chemical properties. The amino acid change p.Arg466Gln in LZTR1 is predicted as conserved by GERP++ and PhyloP across 100 vertebrates. Multiple lines of computational evidence Polyphen - Damaging, SIFT - Damaging, and MutationTaster - Disease causing predict a damaging effect on protein structure and function for this variant. For these reasons, this variant has been classified as Likely Pathogenic.

OMIM
Classification: Pathogenic for SCHWANNOMATOSIS 2. Last evaluated: 2014-02-01. Review status: no assertion criteria provided. Collection method: literature only. Allele origin: unknown. Not counted in ClinVar's aggregate classification.

Literature cited by the submitters: PubMed 24362817 (cited by 4 submitters); PubMed 30442762 (cited by 4 submitters); PubMed 31130284 (cited by Labcorp Genetics (formerly Invitae), Labcorp); PubMed 31219622 (cited by 3 submitters); PubMed 36947458 (cited by Labcorp Genetics (formerly Invitae), Labcorp); PubMed 25795793 (cited by Women's Health and Genetics/Laboratory Corporation of America, LabCorp); PubMed 27921248 (cited by Women's Health and Genetics/Laboratory Corporation of America, LabCorp); PubMed 30442766 (cited by Women's Health and Genetics/Laboratory Corporation of America, LabCorp); PubMed 30481304 (cited by Women's Health and Genetics/Laboratory Corporation of America, LabCorp); PubMed 30368668 (cited by Women's Health and Genetics/Laboratory Corporation of America, LabCorp).